The following is an entry in ClinVar:

ClinVar aggregate classification (germline): Likely pathogenic (1 of 4 stars; one submission).

Conditions:
Werner syndrome (WRN). Identifiers: Orphanet 902, MedGen C0043119, MONDO:0010196, OMIM 277700.

Allele frequency attached by ClinVar (database versions not stated): gnomAD exomes below 0.00001.
gnomAD v4.1: 2 of 1,614,134 alleles (0.00012%); highest among the groups gnomAD compares: African/African-American, 0.0027%; no homozygotes.

Submission:

Labcorp Genetics (formerly Invitae), Labcorp
Classification: Likely pathogenic for Werner syndrome. Last evaluated: 2023-08-02. Review status: criteria provided, single submitter. Criteria: Invitae Variant Classification Sherloc (09022015). Collection method: clinical testing. Allele origin: germline.
Comment: The frequency data for this variant in the population databases is considered unreliable, as metrics indicate poor data quality at this position in the gnomAD database. Disruption of this splice site has been observed in individual(s) with Werner syndrome (PMID: 20443122). ClinVar contains an entry for this variant (Variation ID: 949207). Algorithms developed to predict the effect of sequence changes on RNA splicing suggest that this variant may disrupt the consensus splice site. In summary, the currently available evidence indicates that the variant is pathogenic, but additional data are needed to prove that conclusively. Therefore, this variant has been classified as Likely Pathogenic. This sequence change affects a donor splice site in intron 24 of the WRN gene. It is expected to disrupt RNA splicing. Variants that disrupt the donor or acceptor splice site typically lead to a loss of protein function (PMID: 16199547), and loss-of-function variants in WRN are known to be pathogenic (PMID: 16673358).

Literature cited by the submitters: PubMed 20443122; PubMed 16199547; PubMed 16673358.

NM_000553.6(WRN):c.2967+1G>A

Gene: WRN (WRN RecQ like helicase; plus strand). Cytogenetic location: 8p12.
Variant type: single nucleotide variant.
Coding change: c.2967+1G>A on transcript NM_000553.6 (MANE Select); the canonical splice donor site of the intron after coding-DNA position 2967, G replaced by A.
Molecular consequence: splice donor variant.
Genome position (GRCh38, 1-based): chr8:31,132,507, G>A. VCF-style: chr8-31132507-G-A. GRCh37 (hg19) VCF-style: chr8-30990023-G-A.
Identifiers: ClinVar variation 949207 (VCV000949207.7), dbSNP rs1474054365, ClinGen allele CA370919301.